The following is an entry in ClinVar:

NM_133510.4(RAD51B):c.28G>A (p.Gly10Ser)

Gene: RAD51B (RAD51 paralog B; plus strand). Cytogenetic location: 14q24.1.
Variant type: single nucleotide variant.
Coding change: c.28G>A on transcript NM_133510.4 (MANE Select); coding-DNA position 28, G replaced by A.
Protein change: p.Gly10Ser; replaces glycine 10 with serine.
Molecular consequence: missense variant. On other transcripts: 5 prime UTR variant (1).
Genome position (GRCh38, 1-based): chr14:67,823,571, G>A. VCF-style: chr14-67823571-G-A. GRCh37 (hg19) VCF-style: chr14-68290288-G-A.
Other names: c.28G>A, p.Gly10Ser (NM_001321809.2, NM_001321810.2, NM_001321812.1 and 6 more transcripts); c.-428G>A (NM_001321817.2); short protein forms G10S.
Identifiers: ClinVar variation 4842719 (VCV004842719.1).

ClinVar aggregate classification (germline): Uncertain significance (1 of 4 stars; one submission).

Submission:

Ambry Genetics
Classification: Uncertain significance. Last evaluated: 2025-12-22. Review status: criteria provided, single submitter. Criteria: Ambry Variant Classification Scheme 2023. Collection method: clinical testing. Allele origin: germline.
Comment: The p.G10S variant (also known as c.28G>A), located in coding exon 1 of the RAD51B gene, results from a G to A substitution at nucleotide position 28. The glycine at codon 10 is replaced by serine, an amino acid with similar properties. This amino acid position is conserved. In addition, this alteration is predicted to be tolerated by in silico analysis. Based on the available evidence, the clinical significance of this variant remains unclear.